The following continues an entry in ClinVar:

NM_002693.3(POLG):c.2246T>C (p.Phe749Ser)

Gene: POLG. ClinVar aggregate classification (germline): Conflicting classifications of pathogenicity. Pathogenic (6); Likely pathogenic (10); Uncertain significance (1).

Submissions 9 to 17 of 17:

Dasa
Classification: Likely pathogenic for POLG-related disorder. Last evaluated: 2022-03-25. Review status: criteria provided, single submitter. Criteria: ACMG Guidelines, 2015. Collection method: clinical testing. Allele origin: germline. Affected: yes. Observed: 1 variant allele.
Comment: The c.2246T>C;p.(Phe749Ser) missense change has been observed in affected individual(s) PMID: 24642831; PMID: 21880868; PMID: 21670405)-PS4_moderate. The variant is present at low allele frequencies population databases (rs202037973 – gnomAD 0.0006368%; ABraOM no frequency.) - PM2_supporting. The p.(Phe749Ser) was detected in trans with a pathogenic variant (PMID: 21880868; PMID: 21670405) - PM3. Multiple lines of computational evidence support a deleterious effect on the gene or gene product - PP3. In summary, the currently available evidence indicates that the variant is likely pathogenic

Blueprint Genetics
Classification: Likely pathogenic for POLG-related disorders. Last evaluated: 2022-02-01. Review status: criteria provided, single submitter. Criteria: ACMG Guidelines, 2015. Collection method: clinical testing. Allele origin: germline. Affected: yes. Observed: 5 variant alleles.

New York Genome Center
Classification: Likely pathogenic for Progressive sclerosing poliodystrophy; Mitochondrial DNA depletion syndrome 4b; Sensory ataxic neuropathy, dysarthria, and ophthalmoparesis. Last evaluated: 2022-01-28. Review status: criteria provided, single submitter. Criteria: NYGC Assertion Criteria 2020. Collection method: clinical testing. Allele origin: germline. Observed: 1 heterozygote. Study: CSER-NYCKidSeq.

Ambry Genetics
Classification: Likely pathogenic for Inborn genetic diseases. Last evaluated: 2021-08-12. Review status: criteria provided, single submitter. Criteria: Ambry Variant Classification Scheme 2023. Collection method: clinical testing. Allele origin: germline.
Comment: The c.2246T>C (p.F749S) alteration is located in exon 13 (coding exon 12) of the POLG gene. This alteration results from a T to C substitution at nucleotide position 2246, causing the phenylalanine (F) at amino acid position 749 to be replaced by a serine (S). Based on the supporting evidence, this alteration is classified as likely pathogenic for autosomal recessive POLG-related mitochondrial disorders; however, its clinical significance for autosomal dominant progressive external ophthalmoplegia is unclear. Based on data from gnomAD, the C allele has an overall frequency of 0.01% (18/282674) total alleles studied. The highest observed frequency was 0.07% (17/24960) of African alleles. This alteration has been identified in the compound heterozygous state in individuals exhibiting a range a phenotypes associated with autosomal recessive POLG-related mitochondrial disorders (Milone, 2011; Nguyen, 2006; Tang, 2011; Zsurka, 2008). This amino acid position is highly conserved in available vertebrate species. This alteration is predicted to be deleterious by in silico analysis. Based on the available evidence, this alteration is classified as likely pathogenic.

Athena Diagnostics
Classification: Likely pathogenic. Last evaluated: 2020-03-23. Review status: criteria provided, single submitter. Criteria: Athena Diagnostics Criteria. Collection method: clinical testing. Allele origin: unknown.
Comment: The frequency of this variant in the general population is consistent with pathogenicity. Found in at least one patient with expected phenotype for this gene. Predicted to have a damaging effect on the protein. In multiple individuals, this variant has been seen with a single recessive pathogenic variant in the same gene, suggesting this variant may also be pathogenic.

Mendelics
Classification: Pathogenic for Progressive sclerosing poliodystrophy. Last evaluated: 2019-05-28. Review status: criteria provided, single submitter. Criteria: Mendelics Assertion Criteria 2017. Collection method: clinical testing. Allele origin: unknown.

Illumina Laboratory Services, Illumina
Classification: Likely pathogenic for POLG-Related Spectrum Disorders. Last evaluated: 2019-04-26. Review status: criteria provided, single submitter. Criteria: ICSLVariantClassificationCriteria RUGD 01 April 2020. Collection method: clinical testing. Allele origin: unknown.
Comment: The POLG c.2246T>C (p.Phe749Ser) variant is a missense variant that has been reported in four studies, in which it is found in a compound heterozygous state in a total of six individuals, including in three with POLG deficiency, in one with autosomal recessive POLG-related disorders, in one with Alpers syndrome, and in one with some features of the Alpers-Huttenlocher syndrome (Nguyen et al. 2006; Zsurka et al. 2008; Milone et al. 2011; Tang et al. 2011). The p.Phe749Ser variant was absent from 100 control subjects and is reported at a frequency of 0.000681 in the African population of the Genome Aggregation Database. The p.Phe749Ser variant demonstrated reduced mitochondrial DNA copy numbers in patient blood and tissue samples (Zsurka et al. 2008). Muscle biopsies from the Alpers-Huttenlocher syndrome patient revealed large mtDNA deletions, however, the mitochondrial impairment in the muscle tissue could not be explained solely by deletions (Zsurka et al. 2008). The phe749 residue is in the linker region suggested to be involved in proteinâ€“protein interactions but is not critical for catalytic function of the enzyme (Euro et al. 2011). Based on the collective evidence, the p.Phe749Ser variant is classified as likely pathogenic for POLG-related spectrum disorders.

Wong Mito Lab, Molecular and Human Genetics, Baylor College of Medicine
Classification: Pathogenic for Progressive sclerosing poliodystrophy. Last evaluated: 2018-10-01. Review status: criteria provided, single submitter. Criteria: ACMG Guidelines, 2015. Collection method: clinical testing. Allele origin: germline.
Comment: The NM_002693.2:c.2246T>C (NP_002684.1:p.Phe749Ser) [GRCH38: NC_000015.10:g.89323423A>G] variant in POLG gene is interpretated to be a Pathogenic based on ACMG guidelines (PMID: 25741868). This variant has been reported in PMID:16545482 ; 21880868 . This variant meets the following evidence codes reported in the ACMG-guideline. PS1:This variation causes same amino-acid change as an established pathogenic variant. PS3:Well established functional studies show a deleterious effect on POLG. PM2:This variant is absent in key population databases. PM3:Detected in trans with a pathogenic variant for Mitochondrial DNA depletion syndrome 4A (Alpers type) which is a recessive disorder. PP1:This variant is co-segregated with Mitochondrial DNA depletion syndrome 4A (Alpers type) in multiple affected family members. PP4:Patient's phenotype or family history is highly specific for POLG. Based on the evidence criteria codes applied, the variant is suggested to be Pathogenic.

Eurofins Ntd Llc (ga)
Classification: Uncertain significance. Last evaluated: 2016-02-25. Review status: criteria provided, single submitter. Criteria: EGL Classification Definitions 2015. Collection method: clinical testing. Allele origin: germline. Observed: 1 variant allele, 1 heterozygote.

Literature cited by the submitters: PubMed 16545482 (cited by 8 submitters); PubMed 18716558 (cited by 5 submitters); PubMed 21670405 (cited by 6 submitters); PubMed 21880868 (cited by 8 submitters); PubMed 28865037 (cited by Labcorp Genetics (formerly Invitae), Labcorp and Women's Health and Genetics/Laboratory Corporation of America, LabCorp); PubMed 20220442 (cited by Women's Health and Genetics/Laboratory Corporation of America, LabCorp); PubMed 21824913 (cited by 3 submitters); PubMed 24642831 (cited by Dasa and Athena Diagnostics); PubMed 22084276 (cited by Ambry Genetics); PubMed 17538929 (cited by Athena Diagnostics); PubMed 19195941 (cited by Athena Diagnostics); PubMed 21953457 (cited by Athena Diagnostics).